The following is an entry in ClinVar:

ClinVar aggregate classification (germline): Likely pathogenic (1 of 4 stars; one submission).

Conditions:
Cerebral cavernous malformation (CCM). Also called: CAVERNOUS ANGIOMA, FAMILIAL; CAVERNOUS ANGIOMATOUS MALFORMATIONS; CEREBRAL CAPILLARY MALFORMATIONS; Cavernous Hemangioma of Brain; Cerebral cavernous hemangioma (type); Cerebral cavernous malformations. Identifiers: Orphanet 221061, MedGen C2919945, MONDO:0000820, OMIM 116860, HP:0033522.

Submission:

Labcorp Genetics (formerly Invitae), Labcorp
Classification: Likely pathogenic for Cerebral cavernous malformation. Last evaluated: 2021-03-09. Review status: criteria provided, single submitter. Criteria: Invitae Variant Classification Sherloc (09022015). Collection method: clinical testing. Allele origin: germline.
Comment: This sequence change falls in intron 9 of the KRIT1 gene. It does not directly change the encoded amino acid sequence of the KRIT1 protein. It affects a nucleotide within the consensus splice site of the intron. This variant is not present in population databases (ExAC no frequency). This variant has been observed in individual(s) with clinical features of cerebral cavernous malformations (Invitae). ClinVar contains an entry for this variant (Variation ID: 566527). Nucleotide substitutions within the consensus splice site are a relatively common cause of aberrant splicing (PMID: 17576681, 9536098). Algorithms developed to predict the effect of sequence changes on RNA splicing suggest that this variant may disrupt the consensus splice site, but this prediction has not been confirmed by published transcriptional studies. In summary, the currently available evidence indicates that the variant is pathogenic, but additional data are needed to prove that conclusively. Therefore, this variant has been classified as Likely Pathogenic.

Literature cited by the submitters: PubMed 17576681; PubMed 9536098.

NM_194454.3(KRIT1):c.729+5G>C

Gene: KRIT1 (KRIT1 ankyrin repeat containing; minus strand). Cytogenetic location: 7q21.2.
Variant type: single nucleotide variant.
Coding change: c.729+5G>C on transcript NM_194454.3 (MANE Select); 5 bases into the intron after coding-DNA position 729, G replaced by C.
Molecular consequence: intron variant.
Genome position (GRCh38, 1-based): chr7:92,235,398, C>G on the plus strand (G>C on the coding strand, the complement: KRIT1 is on the minus strand). VCF-style: chr7-92235398-C-G. GRCh37 (hg19) VCF-style: chr7-91864712-C-G.
Other names: c.729+5G>C (NM_001350672.1, NM_001350676.1, NM_001350673.1 and 29 more transcripts); c.15+136G>C (NM_001350671.1).
Identifiers: ClinVar variation 566527 (VCV000566527.10), dbSNP rs1468613071, ClinGen allele CA891842819.